The following is an entry in ClinVar:

NM_181882.3(PRX):c.727G>A (p.Gly243Arg)

Gene: PRX (periaxin; minus strand). Cytogenetic location: 19q13.2.
Variant type: single nucleotide variant.
Coding change: c.727G>A on transcript NM_181882.3 (MANE Select); coding-DNA position 727, G replaced by A.
Protein change: p.Gly243Arg; replaces glycine 243 with arginine.
Molecular consequence: missense variant. On other transcripts: 3 prime UTR variant (1).
Genome position (GRCh38, 1-based): chr19:40,397,625, C>T on the plus strand (G>A on the coding strand, the complement: PRX is on the minus strand). VCF-style: chr19-40397625-C-T. GRCh37 (hg19) VCF-style: chr19-40903532-C-T.
Other names: c.*932G>A (NM_020956.2); short protein forms G243R.
Identifiers: ClinVar variation 245700 (VCV000245700.21), dbSNP rs774726424, ClinGen allele CA9444389.

ClinVar aggregate classification (germline): Conflicting classifications of pathogenicity. Review status: criteria provided, conflicting classifications (1 of 4 stars). 6 submissions from 6 submitters: Uncertain significance (5); Likely benign (1). Last evaluated 2025-03-20.

Conditions:
Inborn genetic diseases. Identifiers: MedGen C0950123, MeSH D030342.
Dejerine-Sottas disease. Also called: DEJERINE-SOTTAS NEUROPATHY; HEREDITARY MOTOR AND SENSORY NEUROPATHY TYPE III; Hereditary motor and sensory neuropathy 3; Charcot-Marie-Tooth disease type 3; HMSN Type III. Identifiers: Orphanet 64748, MedGen C0011195, MONDO:0007790, OMIM 145900.
Charcot-Marie-Tooth disease type 4F. Also called: Charcot-Marie-Tooth disease, demyelinating, type 4F. Identifiers: Orphanet 99952, MedGen C3540453, MONDO:0013959, OMIM 614895.
Charcot-Marie-Tooth disease type 4. Also called: Charcot-Marie-Tooth, Type 4; Charcot-Marie-Tooth disease, type IV. Identifiers: Orphanet 64749, MedGen C4082197, MONDO:0018995.

Allele frequency attached by ClinVar (database versions not stated): gnomAD exomes 0.00004 and 0.00012; gnomAD 0.00006; TOPMed 0.00007; ExAC 0.00025.

Submissions (6):

Mayo Clinic Laboratories, Mayo Clinic
Classification: Likely benign. Last evaluated: 2025-03-20. Review status: criteria provided, single submitter. Criteria: ACMG Guidelines, 2015. Collection method: clinical testing. Allele origin: germline. Observed: 2 variant alleles.
Comment: BS1, BP4_moderate

GeneDx
Classification: Uncertain significance. Last evaluated: 2024-07-24. Review status: criteria provided, single submitter. Criteria: GeneDx Variant Classification Process June 2021. Collection method: clinical testing. Allele origin: germline. Affected: yes.
Comment: In silico analysis supports that this missense variant has a deleterious effect on protein structure/function; Has not been previously published as pathogenic or benign to our knowledge

Ambry Genetics
Classification: Uncertain significance for Inborn genetic diseases. Last evaluated: 2023-10-13. Review status: criteria provided, single submitter. Criteria: Ambry Variant Classification Scheme 2023. Collection method: clinical testing. Allele origin: germline.

Department of Pathology and Laboratory Medicine, Sinai Health System
Classification: Uncertain significance for Dejerine-Sottas disease; Charcot-Marie-Tooth disease type 4F. Last evaluated: 2023-05-10. Review status: criteria provided, single submitter. Criteria: ACMG Guidelines, 2015. Collection method: research. Allele origin: germline.

Labcorp Genetics (formerly Invitae), Labcorp
Classification: Uncertain significance for Charcot-Marie-Tooth disease type 4. Last evaluated: 2022-03-28. Review status: criteria provided, single submitter. Criteria: Invitae Variant Classification Sherloc (09022015). Collection method: clinical testing. Allele origin: germline.
Comment: This sequence change replaces glycine, which is neutral and non-polar, with arginine, which is basic and polar, at codon 243 of the PRX protein (p.Gly243Arg). This variant is present in population databases (rs774726424, gnomAD 0.1%). This variant has not been reported in the literature in individuals affected with PRX-related conditions. ClinVar contains an entry for this variant (Variation ID: 245700). Algorithms developed to predict the effect of missense changes on protein structure and function are either unavailable or do not agree on the potential impact of this missense change (SIFT: "Tolerated"; PolyPhen-2: "Probably Damaging"; Align-GVGD: "Class C0"). In summary, the available evidence is currently insufficient to determine the role of this variant in disease. Therefore, it has been classified as a Variant of Uncertain Significance.

Revvity Omics, Revvity
Classification: Uncertain significance. Last evaluated: 2020-06-28. Review status: criteria provided, single submitter. Criteria: ACMG Guidelines, 2015. Collection method: clinical testing. Allele origin: germline.